The following is an entry in ClinVar:

ClinVar aggregate classification (germline): Uncertain significance (1 of 4 stars; one submission).

Submission:

Dasa
Classification: Uncertain significance. Last evaluated: 2025-02-04. Review status: criteria provided, single submitter. Criteria: DASA Assertion Criteria. Collection method: clinical testing. Allele origin: germline.
Comment: NM_001346810.2(DLGAP2):c.2203-7G>T is a splice-region variant. This variant is absent from population databases. Computational prediction algorithms are consistent with a benign effect. The currently available literature and clinical evidence are not sufficient to establish a definitive association between this variant and the reported condition. Therefore, this variant is classified as a variant of uncertain significance.

NM_001346810.2(DLGAP2):c.2203-7G>T

Gene: DLGAP2 (DLG associated protein 2; plus strand). Cytogenetic location: 8p23.3.
Variant type: single nucleotide variant.
Coding change: c.2203-7G>T on transcript NM_001346810.2 (MANE Select); 7 bases into the intron before coding-DNA position 2203, G replaced by T.
Molecular consequence: intron variant.
Genome position (GRCh38, 1-based): chr8:1,676,526, G>T. VCF-style: chr8-1676526-G-T. GRCh37 (hg19) VCF-style: chr8-1624692-G-T.
Identifiers: ClinVar variation 4886607 (VCV004886607.2).